The following is an entry in ClinVar:

ClinVar aggregate classification (germline): Benign (0 of 4 stars; one submission).

Conditions:
DAAM1-related disorder. Also called: DAAM1-related condition.

Allele frequency attached by ClinVar (database versions not stated): ESP Exome Variant Server 0.60895; TOPMed 0.61852; gnomAD 0.61939; 1000 Genomes Project 30x 0.65397; 1000 Genomes Project 0.65575; ExAC 0.65694.
gnomAD v4.1: 1,045,625 of 1,608,940 alleles (65%); highest among the groups gnomAD compares: East Asian, 82%; 341,480 homozygotes.

Submission:

PreventionGenetics, part of Exact Sciences
Classification: Benign for DAAM1-related condition. Last evaluated: 2019-10-29. Review status: no assertion criteria provided. Collection method: clinical testing. Allele origin: germline.
Comment: This variant is classified as benign based on ACMG/AMP sequence variant interpretation guidelines (Richards et al. 2015 PMID: 25741868, with internal and published modifications).

NM_001270520.2(DAAM1):c.1389A>G (p.Gln463=)

Gene: DAAM1 (dishevelled associated activator of morphogenesis 1; plus strand). Cytogenetic location: 14q23.1.
Variant type: single nucleotide variant.
Coding change: c.1389A>G on transcript NM_001270520.2 (MANE Select); coding-DNA position 1389, A replaced by G.
Protein change: p.Gln463=; no amino-acid change (glutamine 463 retained).
Molecular consequence: synonymous variant.
Genome position (GRCh38, 1-based): chr14:59,330,517, A>G. VCF-style: chr14-59330517-A-G. GRCh37 (hg19) VCF-style: chr14-59797235-A-G.
Other names: c.1389A>G, p.Gln463= (NM_014992.2).
Identifiers: ClinVar variation 3059031 (VCV003059031.2), dbSNP rs941884, ClinGen allele CA7207508.
Genomic context (GRCh38, chr14:59,330,517, plus strand): 5'-TTGAAGACTCTCCTGTTTTCATGTCCAATTGTTTTCTCGTGTAGAGCACAATGAGCTACA[A>G]CAGAAACTGGAAAAGAAAGAACGAGAATGTGATGCTAAGACTCAAGAGAAGGAAGAGATG-3'
Protein context (NP_001257449.1, residues 453-473): EKMRKEHNEL[Gln463=]QKLEKKEREC